The following is an entry in ClinVar:

NM_001985.3(ETFB):c.253C>T (p.Arg85Ter)

Gene: ETFB (electron transfer flavoprotein subunit beta; minus strand). Cytogenetic location: 19q13.41.
Variant type: single nucleotide variant.
Coding change: c.253C>T on transcript NM_001985.3 (MANE Select); coding-DNA position 253, C replaced by T.
Protein change: p.Arg85Ter; replaces arginine 85 with a stop codon.
Molecular consequence: nonsense.
Genome position (GRCh38, 1-based): chr19:51,353,254, G>A on the plus strand (C>T on the coding strand, the complement: ETFB is on the minus strand). VCF-style: chr19-51353254-G-A. GRCh37 (hg19) VCF-style: chr19-51856508-G-A.
Other names: c.526C>T, p.Arg176Ter (NM_001014763.1); short protein forms R176*, R85*.
Identifiers: ClinVar variation 969590 (VCV000969590.10), dbSNP rs187424345, ClinGen allele CA9610811.

ClinVar aggregate classification (germline): Pathogenic/Likely pathogenic. Review status: criteria provided, multiple submitters, no conflicts (2 of 4 stars). 4 submissions from 4 submitters: Pathogenic (2); Likely pathogenic (2). Last evaluated 2025-11-04.

Conditions:
ETFB-related disorder. Also called: ETFB-related condition.
Multiple acyl-CoA dehydrogenase deficiency (MADD). Also called: ETHYLMALONIC-ADIPICACIDURIA; GA II; Glutaric aciduria, type 2; Glutaric acidemia type II; GA 2; Glutaric Acidemia type 2. Identifiers: Orphanet 26791, MedGen C0268596, MONDO:0009282, OMIM 231680.

gnomAD v4.1: 9 of 1,613,924 alleles (0.00056%); highest among the groups gnomAD compares: African/African-American, 0.0013%; no homozygotes.

Submissions (4):

Women's Health and Genetics/Laboratory Corporation of America, LabCorp
Classification: Pathogenic for Multiple acyl-CoA dehydrogenase deficiency. Last evaluated: 2025-11-04. Review status: criteria provided, single submitter. Criteria: LabCorp Variant Classification Summary - May 2015. Collection method: clinical testing. Allele origin: germline.
Comment: Variant summary: ETFB c.253C>T (p.Arg85X) results in a premature termination codon, predicted to cause a truncation of the encoded protein or absence of the protein due to nonsense mediated decay, which are commonly known mechanisms for disease. The variant allele was found at a frequency of 4e-06 in 250870 control chromosomes. c.253C>T has been observed in an individual affected with clinical features of Glutaric Aciduria, Type 2b (Li_2021). These report(s) do not provide unequivocal conclusions about association of the variant with Glutaric Aciduria, Type 2b. To our knowledge, no experimental evidence demonstrating an impact on protein function has been reported. The following publication have been ascertained in the context of this evaluation (PMID: 35095998). ClinVar contains an entry for this variant (Variation ID: 969590). Based on the evidence outlined above, the variant was classified as pathogenic.

Labcorp Genetics (formerly Invitae), Labcorp
Classification: Pathogenic for Multiple acyl-CoA dehydrogenase deficiency. Last evaluated: 2025-08-21. Review status: criteria provided, single submitter. Criteria: Invitae Variant Classification Sherloc (09022015). Collection method: clinical testing. Allele origin: germline.
Comment: This sequence change creates a premature translational stop signal (p.Arg85*) in the ETFB gene. It is expected to result in an absent or disrupted protein product. Loss-of-function variants in ETFB are known to be pathogenic (PMID: 16510302, 23785301). This variant is present in population databases (rs187424345, gnomAD 0.004%). This premature translational stop signal has been observed in individual(s) with clinical features of ETFB-related conditions (PMID: 35095998). ClinVar contains an entry for this variant (Variation ID: 969590). For these reasons, this variant has been classified as Pathogenic.

Baylor Genetics
Classification: Likely pathogenic for Multiple acyl-CoA dehydrogenase deficiency. Last evaluated: 2023-11-21. Review status: criteria provided, single submitter. Criteria: ACMG Guidelines, 2015. Collection method: clinical testing. Allele origin: unknown.

Blueprint Genetics
Classification: Likely pathogenic for ETFB-related disorders. Last evaluated: 2021-05-23. Review status: criteria provided, single submitter. Criteria: ACMG Guidelines, 2015. Collection method: clinical testing. Allele origin: germline. Affected: yes. Observed: 3 variant alleles.

Literature cited by the submitters: PubMed 35095998 (cited by Women's Health and Genetics/Laboratory Corporation of America, LabCorp and Labcorp Genetics (formerly Invitae), Labcorp); PubMed 16510302 (cited by Labcorp Genetics (formerly Invitae), Labcorp); PubMed 23785301 (cited by Labcorp Genetics (formerly Invitae), Labcorp).